The following is an entry in ClinVar:

ClinVar aggregate classification (germline): Conflicting classifications of pathogenicity. Review status: criteria provided, conflicting classifications (1 of 4 stars). 3 submissions from 3 submitters: Uncertain significance (1); Likely benign (2). Last evaluated 2026-03-01.

Conditions:
Inborn genetic diseases. Identifiers: MedGen C0950123, MeSH D030342.

Allele frequency attached by ClinVar (database versions not stated): ESP Exome Variant Server 0.00008.
gnomAD v4.1: 145 of 1,614,094 alleles (0.009%); highest among the groups gnomAD compares: Non-Finnish European, 0.0087%; no homozygotes.

Submissions (3):

CeGaT Center for Human Genetics Tuebingen
Classification: Likely benign. Last evaluated: 2026-03-01. Review status: criteria provided, single submitter. Criteria: CeGaT Center For Human Genetics Tuebingen Variant Classification Criteria Version 2. Collection method: clinical testing. Allele origin: germline. Affected: yes. Observed: 3 variant alleles.
Comment: MED13: BS2

Centre of Medical Genetics, University Hospital Muenster
Classification: Uncertain significance. Last evaluated: 2022-10-26. Review status: criteria provided, single submitter. Criteria: ACMG Guidelines, 2015. Collection method: clinical testing. Allele origin: unknown. Affected: yes. Observed: 1 variant allele, 1 heterozygote.
Comment: ACMG categories: PS4

Ambry Genetics
Classification: Likely benign for Inborn genetic diseases. Last evaluated: 2022-09-22. Review status: criteria provided, single submitter. Criteria: Ambry Variant Classification Scheme 2023. Collection method: clinical testing. Allele origin: germline.

NM_005121.3(MED13):c.3665G>A (p.Arg1222His)

Gene: MED13 (mediator complex subunit 13; minus strand). Cytogenetic location: 17q23.2.
Variant type: single nucleotide variant.
Coding change: c.3665G>A on transcript NM_005121.3 (MANE Select); coding-DNA position 3665, G replaced by A.
Protein change: p.Arg1222His; replaces arginine 1222 with histidine.
Molecular consequence: missense variant.
Genome position (GRCh38, 1-based): chr17:61,982,338, C>T on the plus strand (G>A on the coding strand, the complement: MED13 is on the minus strand). VCF-style: chr17-61982338-C-T. GRCh37 (hg19) VCF-style: chr17-60059699-C-T.
Other names: short protein forms R1222H.
Identifiers: ClinVar variation 2341273 (VCV002341273.28), dbSNP rs199889415, ClinGen allele CA8692617.